The following is an entry in ClinVar:

NM_000275.3(OCA2):c.1843-3C>T

Gene: OCA2 (OCA2 melanosomal transmembrane protein; minus strand). Cytogenetic location: 15q13.1.
Variant type: single nucleotide variant.
Coding change: c.1843-3C>T on transcript NM_000275.3 (MANE Select); 3 bases into the intron before coding-DNA position 1843, C replaced by T.
Molecular consequence: intron variant.
Genome position (GRCh38, 1-based): chr15:27,951,895, G>A on the plus strand (C>T on the coding strand, the complement: OCA2 is on the minus strand). VCF-style: chr15-27951895-G-A. GRCh37 (hg19) VCF-style: chr15-28197041-G-A.
Other names: c.1771-3C>T (NM_001300984.2).
Identifiers: ClinVar variation 4852330 (VCV004852330.1).

ClinVar aggregate classification (germline): Uncertain significance (1 of 4 stars; one submission).

Conditions:
Tyrosinase-positive oculocutaneous albinism (OCA2). Also called: ALBINISM II; Albinism, oculocutaneous, type II; Oculocutaneous albinism type 2. Identifiers: Orphanet 79432, MedGen C0268495, MONDO:0008746, OMIM 203200.

gnomAD v4.1: 1 of 1,602,290 alleles (0.000062%); highest among the groups gnomAD compares: Non-Finnish European, 0.000086%; no homozygotes.

Submission:

MVZ Medizinische Genetik Mainz
Classification: Uncertain significance for Tyrosinase-positive oculocutaneous albinism. Last evaluated: 2026-04-22. Review status: criteria provided, single submitter. Criteria: UK Practice Guidelines For Variant Classification V4 01 2020. Collection method: clinical testing. Allele origin: germline. Inheritance: Autosomal recessive inheritance. Affected: yes. Observed: 1 variant allele.
Comment: ACMG Criteria: PM2_SUP,PP3,PP4